The following is an entry in ClinVar:

NM_020937.4(FANCM):c.3296G>T (p.Arg1099Leu)

Gene: FANCM (FA complementation group M; plus strand). Cytogenetic location: 14q21.2.
Variant type: single nucleotide variant.
Coding change: c.3296G>T on transcript NM_020937.4 (MANE Select); coding-DNA position 3296, G replaced by T.
Protein change: p.Arg1099Leu; replaces arginine 1099 with leucine.
Molecular consequence: missense variant.
Genome position (GRCh38, 1-based): chr14:45,176,050, G>T. VCF-style: chr14-45176050-G-T. GRCh37 (hg19) VCF-style: chr14-45645253-G-T.
Other names: c.3218G>T, p.Arg1073Leu (NM_001308133.2); short protein forms R1073L, R1099L.
Identifiers: ClinVar variation 4619533 (VCV004619533.1).

ClinVar aggregate classification (germline): Uncertain significance (1 of 4 stars; one submission).

Conditions:
Inborn genetic diseases. Identifiers: MedGen C0950123, MeSH D030342.

Submission:

Ambry Genetics
Classification: Uncertain significance for Inborn genetic diseases. Last evaluated: 2025-10-27. Review status: criteria provided, single submitter. Criteria: Ambry Variant Classification Scheme 2023. Collection method: clinical testing. Allele origin: germline.
Comment: The p.R1099L variant (also known as c.3296G>T), located in coding exon 14 of the FANCM gene, results from a G to T substitution at nucleotide position 3296. The arginine at codon 1099 is replaced by leucine, an amino acid with dissimilar properties. This amino acid position is conserved. In addition, this alteration is predicted to be tolerated by in silico analysis. Based on the available evidence, the clinical significance of this variant remains unclear.